The following is an entry in ClinVar:

NM_002693.3(POLG):c.1333C>G (p.Leu445Val)

Gene: POLG (DNA polymerase gamma, catalytic subunit; minus strand). Cytogenetic location: 15q26.1.
Variant type: single nucleotide variant.
Coding change: c.1333C>G on transcript NM_002693.3 (MANE Select); coding-DNA position 1333, C replaced by G.
Protein change: p.Leu445Val; replaces leucine 445 with valine.
Molecular consequence: missense variant.
Genome position (GRCh38, 1-based): chr15:89,327,267, G>C on the plus strand (C>G on the coding strand, the complement: POLG is on the minus strand). VCF-style: chr15-89327267-G-C. GRCh37 (hg19) VCF-style: chr15-89870498-G-C.
Other names: c.1333C>G, p.Leu445Val (NM_001126131.2); short protein forms L445V.
Identifiers: ClinVar variation 2113984 (VCV002113984.4), dbSNP rs2509256228, ClinGen allele CA393762283.
Genomic context (GRCh38, chr15:89,327,267, plus strand): 5'-CCATCAACGACTTCTTCATCTCCCGCTGGAGCTCCTCATAAGTGCCCTGTGCCTCTGCCA[G>C]GTAACGCTCCCAGTTCTGGTTGACAGGCAGGTAGGAGACACCCATCTCCAGCATGCCGGC-3'
Protein context (NP_002684.1, residues 435-455): LPVNQNWERY[Leu445Val]AEAQGTYEEL

ClinVar aggregate classification (germline): Uncertain significance (1 of 4 stars; one submission).

Conditions:
Progressive sclerosing poliodystrophy (MTDPS4A). Also called: Mitochondrial DNA Depletion Syndrome 4A; Alpers-Huttenlocher Syndrome (AHS); ALPERS PROGRESSIVE INFANTILE POLIODYSTROPHY; NEURONAL DEGENERATION OF CHILDHOOD WITH LIVER DISEASE, PROGRESSIVE; Mitochondrial DNA depletion syndrome 4A (Alpers type); Alpers Syndrome. Identifiers: Orphanet 726, MedGen C0205710, MONDO:0008758, OMIM 203700.

Submission:

Labcorp Genetics (formerly Invitae), Labcorp
Classification: Uncertain significance for Progressive sclerosing poliodystrophy. Last evaluated: 2023-12-11. Review status: criteria provided, single submitter. Criteria: Invitae Variant Classification Sherloc (09022015). Collection method: clinical testing. Allele origin: germline.
Comment: This sequence change replaces leucine, which is neutral and non-polar, with valine, which is neutral and non-polar, at codon 445 of the POLG protein (p.Leu445Val). This variant is not present in population databases (gnomAD no frequency). This variant has not been reported in the literature in individuals affected with POLG-related conditions. ClinVar contains an entry for this variant (Variation ID: 2113984). Advanced modeling of protein sequence and biophysical properties (such as structural, functional, and spatial information, amino acid conservation, physicochemical variation, residue mobility, and thermodynamic stability) performed at Invitae indicates that this missense variant is not expected to disrupt POLG protein function with a negative predictive value of 95%. In summary, the available evidence is currently insufficient to determine the role of this variant in disease. Therefore, it has been classified as a Variant of Uncertain Significance.